The following is an entry in ClinVar:

NM_001354483.2(CSGALNACT1):c.1053C>T (p.Asn351=)

Gene: CSGALNACT1 (chondroitin sulfate N-acetylgalactosaminyltransferase 1; minus strand). Cytogenetic location: 8p21.3.
Variant type: single nucleotide variant.
Coding change: c.1053C>T on transcript NM_001354483.2 (MANE Select); coding-DNA position 1053, C replaced by T.
Protein change: p.Asn351=; no amino-acid change (asparagine 351 retained).
Molecular consequence: synonymous variant. On other transcripts: non-coding transcript variant (7).
Genome position (GRCh38, 1-based): chr8:19,420,419, G>A on the plus strand (C>T on the coding strand, the complement: CSGALNACT1 is on the minus strand). VCF-style: chr8-19420419-G-A. GRCh37 (hg19) VCF-style: chr8-19277930-G-A.
Other names: c.1053C>T, p.Asn351= (NM_001130518.2, NM_001354475.2, NM_001354476.2 and 18 more transcripts); c.1053C>T (NM_001130518.1).
Identifiers: ClinVar variation 1599738 (VCV001599738.11), dbSNP rs34285170, ClinGen allele CA4653923.
Genomic context (GRCh38, chr8:19,420,419, plus strand): 5'-ACACGTATTGAGGAATTCAGATGTGAAGTAGATGTCCACATCACAGAAAAAGAGAAGGAC[G>A]TTGCTTCCCTTCCAGAAGCGGGCTCCAACATCAAGTCCCTTTCCCCGAGAAAATTCTCCA-3'
Protein context (NP_001341412.1, residues 341-361): DVGARFWKGS[Asn351=]VLLFFCDVDI

ClinVar aggregate classification (germline): Benign/Likely benign. Review status: criteria provided, multiple submitters, no conflicts (2 of 4 stars). 3 submissions from 3 submitters: Benign (1); Likely benign (1). 1 of the submissions does not count toward it. Last evaluated 2025-10-14.

Conditions:
CSGALNACT1-related disorder. Also called: CSGALNACT1-related condition.

Allele frequency attached by ClinVar (database versions not stated): gnomAD exomes 0.00013 and 0.00030; ExAC 0.00034; 1000 Genomes Project 0.00060; 1000 Genomes Project 30x 0.00062; gnomAD 0.00107 and 0.00116; TOPMed 0.00127; ESP Exome Variant Server 0.00154.
gnomAD v4.1: 349 of 1,614,128 alleles (0.022%); highest among the groups gnomAD compares: African/African-American, 0.38%; no homozygotes.

Submissions (3):

Labcorp Genetics (formerly Invitae), Labcorp
Classification: Benign. Last evaluated: 2025-10-14. Review status: criteria provided, single submitter. Criteria: Invitae Variant Classification Sherloc (09022015). Collection method: clinical testing. Allele origin: germline.

Blueprint Genetics
Classification: Likely benign. Last evaluated: 2024-06-07. Review status: criteria provided, single submitter. Criteria: ACMG Guidelines, 2015. Collection method: clinical testing. Allele origin: germline.

PreventionGenetics, part of Exact Sciences
Classification: Likely benign for CSGALNACT1-related condition. Last evaluated: 2019-05-23. Review status: no assertion criteria provided. Collection method: clinical testing. Allele origin: germline. Not counted in ClinVar's aggregate classification.
Comment: This variant is classified as likely benign based on ACMG/AMP sequence variant interpretation guidelines (Richards et al. 2015 PMID: 25741868, with internal and published modifications).